The following is an entry in ClinVar:

NM_014617.4(CRYGA):c.239G>A (p.Arg80His)

Gene: CRYGA (crystallin gamma A; minus strand). Cytogenetic location: 2q33.3.
Variant type: single nucleotide variant.
Coding change: c.239G>A on transcript NM_014617.4 (MANE Select); coding-DNA position 239, G replaced by A.
Protein change: p.Arg80His; replaces arginine 80 with histidine.
Molecular consequence: missense variant.
Genome position (GRCh38, 1-based): chr2:208,163,217, C>T on the plus strand (G>A on the coding strand, the complement: CRYGA is on the minus strand). VCF-style: chr2-208163217-C-T. GRCh37 (hg19) VCF-style: chr2-209027941-C-T.
Other names: short protein forms R80H.
Identifiers: ClinVar variation 252950 (VCV000252950.4), dbSNP rs139353014, ClinGen allele CA2078330.
Genomic context (GRCh38, chr2:208,163,217, plus strand): 5'-ATGGATCATTGATGCTTTCACATCAGTCAAGTTGAAGCAAGACTCACATGAGGAATTATA[C>T]GGCAGGATTGGACCGAGTCGCTGAGGCCCATCCAGTGCTGATAGTCGGGGTACTTGCCTC-3'
Protein context (NP_055432.2, residues 70-90): MGLSDSVQSC[Arg80His]IIPHTSSHKL

ClinVar aggregate classification (germline): Conflicting classifications of pathogenicity. Review status: criteria provided, conflicting classifications (1 of 4 stars). 3 submissions from 3 submitters: Uncertain significance (1); Likely benign (1). 1 of the submissions does not count toward it. Last evaluated 2023-02-21.

Conditions:
CRYGA-related disorder. Also called: CRYGA-related condition.
Developmental cataract. Also called: Congenital cataracts; Congenital cataract; Bilateral cataracts. Identifiers: MedGen C0009691, HP:0000519.

Allele frequency attached by ClinVar (database versions not stated): ESP Exome Variant Server 0.00208; gnomAD 0.00221; 1000 Genomes Project 30x 0.00234; 1000 Genomes Project 0.00220; gnomAD exomes 0.00393; ExAC 0.00428; TOPMed 0.00187.

Submissions (3):

Department of Pathology and Laboratory Medicine, Sinai Health System
Classification: Uncertain significance for CRYGA-related condition. Last evaluated: 2023-02-21. Review status: criteria provided, single submitter. Criteria: ACMG Guidelines, 2015. Collection method: research. Allele origin: germline.

Breda Genetics srl
Classification: Likely benign for congenital cataract. Last evaluated: 2021-04-21. Review status: criteria provided, single submitter. Criteria: ACMG Guidelines, 2015. Collection method: clinical testing. Allele origin: unknown. Affected: no. Observed: 1 variant allele, 1 heterozygote.
Comment: The variant c.239G>A (p.Arg80His) in the CRYGA gene is reported as pathogenic for congenital cataract in ClinVar (Variation ID: 252950). The variant is reported with an estimated allele frequency of 0.0039 in gnomAD exomes and 0.0029 in gnomAD genomes, with homozygous individuals reported. The nucleotide position is not conserved across 35 mammalian species (GERP RS: -1.3). In silico analysis gives inconsistent results. The variant was reported by Javadiyan and colleagues in a family with congenital cataract and incomplete penetrance (PMID: 28839118). However, on the basis of the aforementioned information, we classify this variant as likely benign.

Department of Ophthalmology, Flinders University
Classification: Pathogenic for Developmental cataract. Last evaluated: 2016-07-29. Review status: no assertion criteria provided. Collection method: clinical testing. Allele origin: inherited. Affected: yes. Not counted in ClinVar's aggregate classification.

Literature cited by the submitters: PubMed 28839118 (cited by Breda Genetics srl).